The following is an entry in ClinVar:

ClinVar aggregate classification (germline): Uncertain significance (1 of 4 stars; one submission).

Conditions:
Ataxia-telangiectasia syndrome (AT). Also called: ATAXIA-TELANGIECTASIA, COMPLEMENTATION GROUP A; ATAXIA-TELANGIECTASIA, FRESNO VARIANT; Ataxia-telangiectasia; Ataxia-telangiectasia, complementation group E; LOUIS-BAR SYNDROME; Cerebello-oculocutaneous telangiectasia. Identifiers: Orphanet 100, MedGen C0004135, MONDO:0008840, OMIM 208900.

Submission:

Labcorp Genetics (formerly Invitae), Labcorp
Classification: Uncertain significance for Ataxia-telangiectasia syndrome. Last evaluated: 2022-01-22. Review status: criteria provided, single submitter. Criteria: Invitae Variant Classification Sherloc (09022015). Collection method: clinical testing. Allele origin: germline.
Comment: In summary, the available evidence is currently insufficient to determine the role of this variant in disease. Therefore, it has been classified as a Variant of Uncertain Significance. Advanced modeling of protein sequence and biophysical properties (such as structural, functional, and spatial information, amino acid conservation, physicochemical variation, residue mobility, and thermodynamic stability) performed at Invitae indicates that this missense variant is expected to disrupt ATM protein function. This variant has not been reported in the literature in individuals affected with ATM-related conditions. This variant is not present in population databases (gnomAD no frequency). This sequence change replaces arginine, which is basic and polar, with leucine, which is neutral and non-polar, at codon 2486 of the ATM protein (p.Arg2486Leu).

NM_000051.4(ATM):c.7457G>T (p.Arg2486Leu)

Genes: ATM (ATM serine/threonine kinase; plus strand), C11orf65 (chromosome 11 open reading frame 65; minus strand). Cytogenetic location: 11q22.3.
Variant type: single nucleotide variant.
Coding change: c.7457G>T on transcript NM_000051.4 (MANE Select); coding-DNA position 7457, G replaced by T.
Protein change: p.Arg2486Leu; replaces arginine 2486 with leucine.
Molecular consequence: missense variant. On other transcripts: intron variant (2).
Genome position (GRCh38, 1-based): chr11:108,330,363, G>T. VCF-style: chr11-108330363-G-T. GRCh37 (hg19) VCF-style: chr11-108201090-G-T.
Other names: c.7457G>T, p.Arg2486Leu (NM_001351834.2); c.641-21292C>A (NM_001330368.2); c.*38+4857C>A (NM_001351110.2); short protein forms R2486L.
Identifiers: ClinVar variation 2089024 (VCV002089024.4), dbSNP rs773944604, ClinGen allele CA382560381.